The following is an entry in ClinVar:

ClinVar aggregate classification (germline): Uncertain significance. Review status: criteria provided, multiple submitters, no conflicts (2 of 4 stars). 2 submissions from 2 submitters: Uncertain significance (2). Last evaluated 2025-09-20.

Conditions:
Tuberous sclerosis 1 (TSC1). Identifiers: Orphanet 805, MedGen C1854465, MONDO:0008612, OMIM 191100.
Hereditary cancer-predisposing syndrome. Also called: Hereditary Cancer Syndrome; Hereditary neoplastic syndrome; Tumor predisposition; Neoplastic Syndromes, Hereditary. Identifiers: Orphanet 140162, MedGen C0027672, MeSH D009386, MONDO:0015356.

Submissions (2):

Labcorp Genetics (formerly Invitae), Labcorp
Classification: Uncertain significance for Tuberous sclerosis 1. Last evaluated: 2025-09-20. Review status: criteria provided, single submitter. Criteria: Invitae Variant Classification Sherloc (09022015). Collection method: clinical testing. Allele origin: germline.
Comment: This sequence change replaces alanine, which is neutral and non-polar, with glycine, which is neutral and non-polar, at codon 27 of the TSC1 protein (p.Ala27Gly). This variant is not present in population databases (gnomAD no frequency). This variant has not been reported in the literature in individuals affected with TSC1-related conditions. ClinVar contains an entry for this variant (Variation ID: 3811248). Invitae Evidence Modeling of protein sequence and biophysical properties (such as structural, functional, and spatial information, amino acid conservation, physicochemical variation, residue mobility, and thermodynamic stability) indicates that this missense variant is not expected to disrupt TSC1 protein function with a negative predictive value of 95%. RNA analysis performed to evaluate the impact of this missense change on mRNA splicing indicates it does not significantly alter splicing (internal data). In summary, the available evidence is currently insufficient to determine the role of this variant in disease. Therefore, it has been classified as a Variant of Uncertain Significance.

Ambry Genetics
Classification: Uncertain significance for Hereditary cancer-predisposing syndrome. Last evaluated: 2025-02-07. Review status: criteria provided, single submitter. Criteria: Ambry Variant Classification Scheme 2023. Collection method: clinical testing. Allele origin: germline.
Comment: The p.A27G variant (also known as c.80C>G), located in coding exon 1 of the TSC1 gene, results from a C to G substitution at nucleotide position 80. The alanine at codon 27 is replaced by glycine, an amino acid with similar properties. This amino acid position is not well conserved in available vertebrate species. In addition, this alteration is predicted to be tolerated by in silico analysis. Based on the available evidence, the clinical significance of this variant remains unclear.

NM_000368.5(TSC1):c.80C>G (p.Ala27Gly)

Gene: TSC1 (TSC complex subunit 1; minus strand). Cytogenetic location: 9q34.13.
Variant type: single nucleotide variant.
Coding change: c.80C>G on transcript NM_000368.5 (MANE Select); coding-DNA position 80, C replaced by G.
Protein change: p.Ala27Gly; replaces alanine 27 with glycine.
Molecular consequence: missense variant. On other transcripts: 5 prime UTR variant (16), non-coding transcript variant (5), intron variant (2).
Genome position (GRCh38, 1-based): chr9:132,928,793, G>C on the plus strand (C>G on the coding strand, the complement: TSC1 is on the minus strand). VCF-style: chr9-132928793-G-C. GRCh37 (hg19) VCF-style: chr9-135804180-G-C.
Other names: c.-798C>G (NM_001406627.1, NM_001406628.1, NM_001406626.1); c.-940C>G (NM_001406629.1); c.-1014C>G (NM_001406630.1); c.-153-3054C>G (NM_001406620.1, NM_001406618.1); c.80C>G, p.Ala27Gly (NM_001406602.1, NM_001406603.1, NM_001406604.1 and 21 more transcripts); c.-272C>G (NM_001406614.1); c.-409C>G (NM_001406615.1, NM_001406623.1); c.-376C>G (NM_001406616.1, NM_001406624.1); and 1 more; short protein forms A27G.
Identifiers: ClinVar variation 3811248 (VCV003811248.2).
Genomic context (GRCh38, chr9:132,928,793, plus strand): 5'-GAAGATAAGCTAAAAAGGATATTATTTTGCTAACCAGAATTGAGGTTCTCTTTAAAGACA[G>C]CTGTCACGTCGTCCCGCACACCCAGCATGGGGGAGTCCAGCATGGCAAGAAGCTCCCCGA-3'
Protein context (NP_000359.1, residues 17-37): PMLGVRDDVT[Ala27Gly]VFKENLNSDR